The following is an entry in ClinVar:

ClinVar aggregate classification (germline): Likely benign (1 of 4 stars; one submission).

Conditions:
KIDINS220-related disorder. Also called: KIDINS220-related condition.

gnomAD v4.1: 5 of 1,569,102 alleles (0.00032%); highest among the groups gnomAD compares: Non-Finnish European, 0.00043%; no homozygotes.

Submission:

PreventionGenetics, part of Exact Sciences
Classification: Likely benign for KIDINS220-related condition. Last evaluated: 2025-03-19. Review status: criteria provided, single submitter. Criteria: ACMG Guidelines, 2015. Collection method: clinical testing. Allele origin: germline.
Comment: This variant is classified as likely benign based on ACMG/AMP sequence variant interpretation guidelines (Richards et al. 2015 PMID: 25741868, with internal and published modifications).

NM_020738.4(KIDINS220):c.2849-6T>C

Gene: KIDINS220 (kinase D interacting substrate 220; minus strand). Cytogenetic location: 2p25.1.
Variant type: single nucleotide variant.
Coding change: c.2849-6T>C on transcript NM_020738.4 (MANE Select); 6 bases into the intron before coding-DNA position 2849, T replaced by C.
Molecular consequence: intron variant.
Genome position (GRCh38, 1-based): chr2:8,770,838, A>G on the plus strand (T>C on the coding strand, the complement: KIDINS220 is on the minus strand). VCF-style: chr2-8770838-A-G. GRCh37 (hg19) VCF-style: chr2-8910968-A-G.
Other names: c.2849-6T>C (NM_001348741.2, NM_001348738.2, NM_001348742.2 and 3 more transcripts); c.2852-6T>C (NM_001348739.2, NM_001348740.2, NM_001348734.2 and 3 more transcripts); c.2723-6T>C (NM_001348736.2).
Identifiers: ClinVar variation 4998829 (VCV004998829.1).